The following is an entry in ClinVar:

ClinVar aggregate classification (germline): Uncertain significance. Review status: criteria provided, multiple submitters, no conflicts (2 of 4 stars). 2 submissions from 2 submitters: Uncertain significance (2). Last evaluated 2026-01-19.

Conditions:
Cataract 38. Also called: Cataract, autosomal recessive congenital 5; Cataract 38, autosomal recessive. Identifiers: Orphanet 91492, MedGen C3553494, MONDO:0013859, OMIM 614691.
Sengers syndrome. Also called: MITOCHONDRIAL DNA DEPLETION SYNDROME 10 (CARDIOMYOPATHIC TYPE); Cardiomyopathy and cataract. Identifiers: Orphanet 1369, MedGen C1859317, MONDO:0008922, OMIM 212350.
Inborn genetic diseases. Identifiers: MedGen C0950123, MeSH D030342.

gnomAD v4.1: 1 of 1,614,206 alleles (0.000062%); highest among the groups gnomAD compares: Non-Finnish European, 0.000085%; no homozygotes.

Submissions (2):

Labcorp Genetics (formerly Invitae), Labcorp
Classification: Uncertain significance for Sengers syndrome; Cataract 38. Last evaluated: 2026-01-19. Review status: criteria provided, single submitter. Criteria: Invitae Variant Classification Sherloc (09022015). Collection method: clinical testing. Allele origin: germline.
Comment: This sequence change replaces serine, which is neutral and polar, with arginine, which is basic and polar, at codon 350 of the AGK protein (p.Ser350Arg). This variant is not present in population databases (gnomAD no frequency). This variant has not been reported in the literature in individuals affected with AGK-related conditions. ClinVar contains an entry for this variant (Variation ID: 2141246). Invitae Evidence Modeling of protein sequence and biophysical properties (such as structural, functional, and spatial information, amino acid conservation, physicochemical variation, residue mobility, and thermodynamic stability) indicates that this missense variant is not expected to disrupt AGK protein function with a negative predictive value of 80%. In summary, the available evidence is currently insufficient to determine the role of this variant in disease. Therefore, it has been classified as a Variant of Uncertain Significance.

Ambry Genetics
Classification: Uncertain significance for Inborn genetic diseases. Last evaluated: 2025-10-23. Review status: criteria provided, single submitter. Criteria: Ambry Variant Classification Scheme 2023. Collection method: clinical testing. Allele origin: germline.

NM_018238.4(AGK):c.1048A>C (p.Ser350Arg)

Gene: AGK (acylglycerol kinase; plus strand). Cytogenetic location: 7q34.
Variant type: single nucleotide variant.
Coding change: c.1048A>C on transcript NM_018238.4 (MANE Select); coding-DNA position 1048, A replaced by C.
Protein change: p.Ser350Arg; replaces serine 350 with arginine.
Molecular consequence: missense variant.
Genome position (GRCh38, 1-based): chr7:141,651,526, A>C. VCF-style: chr7-141651526-A-C. GRCh37 (hg19) VCF-style: chr7-141351326-A-C.
Other names: c.1048A>C (NM_018238.3); short protein forms S350R.
Identifiers: ClinVar variation 2141246 (VCV002141246.4), dbSNP rs863223894, ClinGen allele CA369542148.